The following is an entry in ClinVar:

NM_052876.4(NACC1):c.593A>G (p.Asn198Ser)

Gene: NACC1 (nucleus accumbens associated 1; plus strand). Cytogenetic location: 19p13.13.
Variant type: single nucleotide variant.
Coding change: c.593A>G on transcript NM_052876.4 (MANE Select); coding-DNA position 593, A replaced by G.
Protein change: p.Asn198Ser; replaces asparagine 198 with serine.
Molecular consequence: missense variant.
Genome position (GRCh38, 1-based): chr19:13,135,800, A>G. VCF-style: chr19-13135800-A-G. GRCh37 (hg19) VCF-style: chr19-13246614-A-G.
Other names: short protein forms N198S.
Identifiers: ClinVar variation 3610566 (VCV003610566.2).

ClinVar aggregate classification (germline): Uncertain significance (1 of 4 stars; one submission).

Submission:

Labcorp Genetics (formerly Invitae), Labcorp
Classification: Uncertain significance. Last evaluated: 2025-01-23. Review status: criteria provided, single submitter. Criteria: Invitae Variant Classification Sherloc (09022015). Collection method: clinical testing. Allele origin: germline.
Comment: This sequence change replaces asparagine, which is neutral and polar, with serine, which is neutral and polar, at codon 198 of the NACC1 protein (p.Asn198Ser). This variant is not present in population databases (gnomAD no frequency). This variant has not been reported in the literature in individuals affected with NACC1-related conditions. Invitae Evidence Modeling of protein sequence and biophysical properties (such as structural, functional, and spatial information, amino acid conservation, physicochemical variation, residue mobility, and thermodynamic stability) indicates that this missense variant is not expected to disrupt NACC1 protein function with a negative predictive value of 80%. In summary, the available evidence is currently insufficient to determine the role of this variant in disease. Therefore, it has been classified as a Variant of Uncertain Significance.